The following is an entry in ClinVar:

NM_006361.6(HOXB13):c.246C>T (p.Tyr82=)

Gene: HOXB13 (homeobox B13; minus strand). Cytogenetic location: 17q21.32.
Variant type: single nucleotide variant.
Coding change: c.246C>T on transcript NM_006361.6 (MANE Select); coding-DNA position 246, C replaced by T.
Protein change: p.Tyr82=; no amino-acid change (tyrosine 82 retained).
Molecular consequence: synonymous variant.
Genome position (GRCh38, 1-based): chr17:48,728,348, G>A on the plus strand (C>T on the coding strand, the complement: HOXB13 is on the minus strand). VCF-style: chr17-48728348-G-A. GRCh37 (hg19) VCF-style: chr17-46805710-G-A.
Identifiers: ClinVar variation 690665 (VCV000690665.14), dbSNP rs1597934677, ClinGen allele CA500661992.
Genomic context (GRCh38, chr17:48,728,348, plus strand): 5'-CTGGGCACAGGGTTTCAGCGAGCTCCGGGACACTCGGCAGGAGTAGTACCCGCCTCCAAA[G>A]TAACCATAAGGCACGGGAGCTGGGGACGTCCCCTGGGGCACCCCAGGGCATGGGTGGCAT-3'
Protein context (NP_006352.2, residues 72-92): GTSPAPVPYG[Tyr82=]FGGGYYSCRV

ClinVar aggregate classification (germline): Benign/Likely benign. Review status: criteria provided, multiple submitters, no conflicts (2 of 4 stars). 4 submissions from 4 submitters: Benign (1); Likely benign (2). 1 of the submissions does not count toward it. Last evaluated 2025-12-19.

Conditions:
Prostate cancer, hereditary, 9 (HPC9). Identifiers: Orphanet 1331, MedGen C1970250, MONDO:0012597, OMIM 610997.
Hereditary cancer-predisposing syndrome. Also called: Neoplastic Syndromes, Hereditary; Tumor predisposition; Hereditary neoplastic syndrome; Hereditary Cancer Syndrome. Identifiers: Orphanet 140162, MedGen C0027672, MeSH D009386, MONDO:0015356.
Prostate cancer, hereditary, 1 (HPC1). Identifiers: Orphanet 1331, MedGen C4722327, MONDO:0011098, OMIM 601518.

Allele frequency attached by ClinVar (database versions not stated): TOPMed below 0.00001; gnomAD 0.00001.
gnomAD v4.1: 1 of 1,613,888 alleles (0.000062%); highest among the groups gnomAD compares: Non-Finnish European, 0.000085%; no homozygotes.

Submissions (4):

Labcorp Genetics (formerly Invitae), Labcorp
Classification: Likely benign. Last evaluated: 2025-12-19. Review status: criteria provided, single submitter. Criteria: Invitae Variant Classification Sherloc (09022015). Collection method: clinical testing. Allele origin: germline.

Myriad Genetics, Inc.
Classification: Benign for Prostate cancer, hereditary, 9. Last evaluated: 2024-10-29. Review status: criteria provided, single submitter. Criteria: Myriad Autosomal Dominant, Autosomal Recessive and X-Linked Classification Criteria (2023). Collection method: clinical testing. Allele origin: unknown.
Comment: This variant is considered benign. This variant is a silent/synonymous amino acid change and it is not expected to impact splicing.

Ambry Genetics
Classification: Likely benign for Hereditary cancer-predisposing syndrome. Last evaluated: 2020-03-16. Review status: criteria provided, single submitter. Criteria: Ambry Variant Classification Scheme 2023. Collection method: clinical testing. Allele origin: germline.

Laboratory of Virology, Microbiology,  Quality and Medical Biotechnologies, Faculty of Sciences and Techniques - Mohammedia, Hassan II University of Casablanca
Classification: Uncertain significance for Prostate cancer, hereditary, 1. Review status: no assertion criteria provided. Collection method: clinical testing. Allele origin: somatic. Affected: yes. Not counted in ClinVar's aggregate classification.